The following is an entry in ClinVar:

ClinVar aggregate classification (germline): Benign. Review status: criteria provided, single submitter (1 of 4 stars). 2 submissions from 1 submitter: Benign (2). Last evaluated 2018-01-12.

Conditions:
DNA ligase IV deficiency. Identifiers: Orphanet 99812, MedGen C1847827, MONDO:0011686, OMIM 606593.
Severe combined immunodeficiency due to DCLRE1C deficiency (RS-SCID). Also called: SCID, AUTOSOMAL RECESSIVE, T CELL-NEGATIVE, B CELL-NEGATIVE, NK CELL-POSITIVE, WITH SENSITIVITY TO IONIZING RADIATION. Identifiers: Orphanet 275, MedGen C1865371, MONDO:0011225, OMIM 602450.

Allele frequency attached by ClinVar (database versions not stated): 1000 Genomes Project 30x 0.03467; 1000 Genomes Project 0.03534; gnomAD 0.03277; TOPMed 0.03417.

Submissions (2):

Illumina Laboratory Services, Illumina
Classification: Benign for Severe combined immunodeficiency due to DCLRE1C deficiency. Last evaluated: 2018-01-12. Review status: criteria provided, single submitter. Criteria: ICSL Variant Classification Criteria 13 December 2019. Collection method: clinical testing. Allele origin: germline.
Comment: This variant was observed in the ICSL laboratory as part of a predisposition screen in an ostensibly healthy population. It had not been previously curated by ICSL or reported in the Human Gene Mutation Database (HGMD: prior to June 1st, 2018), and was therefore a candidate for classification through an automated scoring system. Utilizing variant allele frequency, disease prevalence and penetrance estimates, and inheritance mode, an automated score was calculated to assess if this variant is too frequent to cause the disease. Based on the score and internal cut-off values, a variant classified as benign is not then subjected to further curation. The score for this variant resulted in a classification of benign for this disease.

Illumina Laboratory Services, Illumina
Classification: Benign for DNA ligase IV deficiency. Last evaluated: 2018-01-12. Review status: criteria provided, single submitter. Criteria: ICSL Variant Classification Criteria 13 December 2019. Collection method: clinical testing. Allele origin: germline.
Comment: the same text as in the submission from Illumina Laboratory Services, Illumina above.

NM_206937.2(LIG4):c.*983G>A

Gene: LIG4 (DNA ligase 4; minus strand). Cytogenetic location: 13q33.3.
Variant type: single nucleotide variant.
Coding change: c.*983G>A on transcript NM_206937.2 (MANE Select); 983 bases downstream of the stop codon, G replaced by A.
Molecular consequence: 3 prime UTR variant.
Genome position (GRCh38, 1-based): chr13:108,207,550, C>T on the plus strand (G>A on the coding strand, the complement: LIG4 is on the minus strand). VCF-style: chr13-108207550-C-T. GRCh37 (hg19) VCF-style: chr13-108859898-C-T.
Other names: c.*983G>A (NM_001098268.2, NM_001330595.2, NM_001352598.2 and 8 more transcripts).
Identifiers: ClinVar variation 310949 (VCV000310949.5), dbSNP rs75642465, ClinGen allele CA10642727.